The following is an entry in ClinVar:

NM_016122.3(CEP83):c.1621A>T (p.Lys541Ter)

Gene: CEP83 (centrosomal protein 83; minus strand). Cytogenetic location: 12q22.
Variant type: single nucleotide variant.
Coding change: c.1621A>T on transcript NM_016122.3 (MANE Select); coding-DNA position 1621, A replaced by T.
Protein change: p.Lys541Ter; replaces lysine 541 with a stop codon.
Molecular consequence: nonsense. On other transcripts: non-coding transcript variant (2).
Genome position (GRCh38, 1-based): chr12:94,331,786, T>A on the plus strand (A>T on the coding strand, the complement: CEP83 is on the minus strand). VCF-style: chr12-94331786-T-A. GRCh37 (hg19) VCF-style: chr12-94725562-T-A.
Other names: c.1621A>T, p.Lys541Ter (NM_001042399.2, NM_001346457.2, NM_001368037.1 and 1 more transcripts); c.1309A>T, p.Lys437Ter (NM_001346458.2, NM_001346459.2, NM_001368039.1 and 1 more transcripts); c.1396A>T, p.Lys466Ter (NM_001368041.1); short protein forms K541*, K437*, K466*.
Identifiers: ClinVar variation 1447344 (VCV001447344.6), dbSNP rs2136488957, ClinGen allele CA386143674.

ClinVar aggregate classification (germline): Pathogenic (1 of 4 stars; one submission).

Conditions:
Nephronophthisis 18 (NPHP18). Identifiers: Orphanet 655, MedGen C3890591, MONDO:0014374, OMIM 615862.

Submission:

Labcorp Genetics (formerly Invitae), Labcorp
Classification: Pathogenic for Nephronophthisis 18. Last evaluated: 2021-11-11. Review status: criteria provided, single submitter. Criteria: Invitae Variant Classification Sherloc (09022015). Collection method: clinical testing. Allele origin: germline.
Comment: This sequence change creates a premature translational stop signal (p.Lys541*) in the CEP83 gene. It is expected to result in an absent or disrupted protein product. Loss-of-function variants in CEP83 are known to be pathogenic (PMID: 23530209, 24882706). For these reasons, this variant has been classified as Pathogenic. This variant has not been reported in the literature in individuals affected with CEP83-related conditions. This variant is not present in population databases (gnomAD no frequency).

Literature cited by the submitters: PubMed 23530209; PubMed 24882706.